The following is an entry in ClinVar:

NM_001876.4(CPT1A):c.1112C>T (p.Ser371Leu)

Gene: CPT1A (carnitine palmitoyltransferase 1A; minus strand). Cytogenetic location: 11q13.3.
Variant type: single nucleotide variant.
Coding change: c.1112C>T on transcript NM_001876.4 (MANE Select); coding-DNA position 1112, C replaced by T.
Protein change: p.Ser371Leu; replaces serine 371 with leucine.
Molecular consequence: missense variant.
Genome position (GRCh38, 1-based): chr11:68,784,866, G>A on the plus strand (C>T on the coding strand, the complement: CPT1A is on the minus strand). VCF-style: chr11-68784866-G-A. GRCh37 (hg19) VCF-style: chr11-68552334-G-A.
Other names: c.1112C>T, p.Ser371Leu (NM_001031847.3); short protein forms S371L.
Identifiers: ClinVar variation 931296 (VCV000931296.7), dbSNP rs376430455, ClinGen allele CA6152414.
Genomic context (GRCh38, chr11:68,784,866, plus strand): 5'-GCTGCGCACCTGTCTCCTGCGGTGAGGGCTGCCAGCCTGGCCTCCCCGGGCTGAGGCTCC[G>A]AGGTATTGTCCAGGATCCTCTGCATCTGCTGCTCCATCTCCCGGGGCTTCAGCAGCCGCC-3'
Protein context (NP_001867.2, residues 361-381): QQMQRILDNT[Ser371Leu]EPQPGEARLA

ClinVar aggregate classification (germline): Uncertain significance. Review status: criteria provided, multiple submitters, no conflicts (2 of 4 stars). 3 submissions from 3 submitters: Uncertain significance (2). 1 of the submissions does not count toward it. Last evaluated 2022-07-11.

Conditions:
Carnitine palmitoyl transferase 1A deficiency. Also called: CPT deficiency, hepatic, type IA; Carnitine palmitoyltransferase 1A deficiency; Carnitine palmitoyltransferase type I deficiency; CPT I DEFICIENCY; CPT DEFICIENCY, HEPATIC, TYPE I. Identifiers: Orphanet 156, MedGen C1829703, MONDO:0009705, OMIM 255120.

Allele frequency attached by ClinVar (database versions not stated): TOPMed below 0.00001; gnomAD exomes 0.00002 and 0.00008; gnomAD 0.00003; ESP Exome Variant Server 0.00008; ExAC 0.00011.

Submissions (3):

Labcorp Genetics (formerly Invitae), Labcorp
Classification: Uncertain significance for Carnitine palmitoyl transferase 1A deficiency. Last evaluated: 2022-07-11. Review status: criteria provided, single submitter. Criteria: Invitae Variant Classification Sherloc (09022015). Collection method: clinical testing. Allele origin: germline.
Comment: This sequence change replaces serine, which is neutral and polar, with leucine, which is neutral and non-polar, at codon 371 of the CPT1A protein (p.Ser371Leu). This variant is present in population databases (rs376430455, gnomAD 0.04%). This variant has not been reported in the literature in individuals affected with CPT1A-related conditions. ClinVar contains an entry for this variant (Variation ID: 931296). Algorithms developed to predict the effect of missense changes on protein structure and function are either unavailable or do not agree on the potential impact of this missense change (SIFT: "Deleterious"; PolyPhen-2: "Possibly Damaging"; Align-GVGD: "Class C0"). In summary, the available evidence is currently insufficient to determine the role of this variant in disease. Therefore, it has been classified as a Variant of Uncertain Significance.

Centre for Mendelian Genomics, University Medical Centre Ljubljana
Classification: Uncertain significance for Carnitine palmitoyl transferase 1A deficiency. Last evaluated: 2020-03-20. Review status: criteria provided, single submitter. Criteria: ACMG Guidelines, 2015. Collection method: clinical testing. Allele origin: unknown. Affected: yes.
Comment: This variant was classified as: Uncertain significance. The available evidence on this variant's pathogenicity is insufficient or conflicting. The following ACMG criteria were applied in classifying this variant: PM2,PP3.

Natera, Inc.
Classification: Uncertain significance for Carnitine palmitoyltransferase type I deficiency. Last evaluated: 2020-04-16. Review status: no assertion criteria provided. Collection method: clinical testing. Allele origin: germline. Not counted in ClinVar's aggregate classification.